The following is an entry in ClinVar:

NM_024577.4(SH3TC2):c.3479-8A>G

Gene: SH3TC2 (SH3 domain and tetratricopeptide repeats 2; minus strand). Cytogenetic location: 5q32.
Variant type: single nucleotide variant.
Coding change: c.3479-8A>G on transcript NM_024577.4 (MANE Select); 8 bases into the intron before coding-DNA position 3479, A replaced by G.
Molecular consequence: intron variant.
Genome position (GRCh38, 1-based): chr5:149,007,085, T>C on the plus strand (A>G on the coding strand, the complement: SH3TC2 is on the minus strand). VCF-style: chr5-149007085-T-C. GRCh37 (hg19) VCF-style: chr5-148386648-T-C.
Other names: p.?.
Identifiers: ClinVar variation 476907 (VCV000476907.22), dbSNP rs147800229, ClinGen allele CA3498707.

ClinVar aggregate classification (germline): Benign/Likely benign. Review status: criteria provided, multiple submitters, no conflicts (2 of 4 stars). 9 submissions from 9 submitters: Benign (1); Likely benign (7). 1 of the submissions does not count toward it. Last evaluated 2026-03-16.

Conditions:
Charcot-Marie-Tooth disease type 4. Also called: Charcot-Marie-Tooth, Type 4; Charcot-Marie-Tooth disease, type IV. Identifiers: Orphanet 64749, MedGen C4082197, MONDO:0018995.
Charcot-Marie-Tooth disease. Also called: Charcot-Marie-Tooth Neuropathy; Charcot-Marie-Tooth Hereditary Neuropathy. Identifiers: Orphanet 166, MedGen C0007959, MONDO:0015626.
SH3TC2-related disorder. Also called: SH3TC2-related condition; SH3TC2-related disorders. Identifiers: MedGen CN239303.

Allele frequency attached by ClinVar (database versions not stated): gnomAD exomes 0.00063; ExAC 0.00066; 1000 Genomes Project 0.00180; ESP Exome Variant Server 0.00208; 1000 Genomes Project 30x 0.00219; gnomAD 0.00227; TOPMed 0.00253.
gnomAD v4.1: 662 of 1,613,900 alleles (0.041%); highest among the groups gnomAD compares: African/African-American, 0.77%; 2 homozygotes.

Submissions (9):

Women's Health and Genetics/Laboratory Corporation of America, LabCorp
Classification: Likely benign. Last evaluated: 2026-03-16. Review status: criteria provided, single submitter. Criteria: LabCorp Variant Classification Summary - May 2015. Collection method: clinical testing. Allele origin: germline.

Labcorp Genetics (formerly Invitae), Labcorp
Classification: Benign for Charcot-Marie-Tooth disease type 4. Last evaluated: 2026-01-07. Review status: criteria provided, single submitter. Criteria: Invitae Variant Classification Sherloc (09022015). Collection method: clinical testing. Allele origin: germline.

Mayo Clinic Laboratories, Mayo Clinic
Classification: Likely benign. Last evaluated: 2025-05-23. Review status: criteria provided, single submitter. Criteria: ACMG Guidelines, 2015. Collection method: clinical testing. Allele origin: germline. Observed: 3 variant alleles.
Comment: BS1

Blueprint Genetics
Classification: Likely benign. Last evaluated: 2024-11-01. Review status: criteria provided, single submitter. Criteria: ACMG Guidelines, 2015. Collection method: clinical testing. Allele origin: germline.

GeneDx
Classification: Likely benign. Last evaluated: 2019-11-01. Review status: criteria provided, single submitter. Criteria: GeneDx Variant Classification Process June 2021. Collection method: clinical testing. Allele origin: germline. Affected: yes.

Athena Diagnostics
Classification: Likely benign. Last evaluated: 2019-03-11. Review status: criteria provided, single submitter. Criteria: Athena Diagnostics Criteria. Collection method: clinical testing. Allele origin: germline.

Breakthrough Genomics
Classification: Likely benign. Review status: criteria provided, single submitter. Criteria: ACMG Guidelines, 2015. Collection method: not provided. Allele origin: germline. Inheritance: Autosomal recessive inheritance. Affected: yes.

Molecular Genetics Laboratory, London Health Sciences Centre
Classification: Likely benign for Charcot-Marie-Tooth disease. Review status: criteria provided, single submitter. Criteria: ACMG Guidelines, 2015. Collection method: clinical testing. Allele origin: germline. Affected: yes.

PreventionGenetics, part of Exact Sciences
Classification: Benign for SH3TC2-related condition. Last evaluated: 2019-05-15. Review status: no assertion criteria provided. Collection method: clinical testing. Allele origin: germline. Not counted in ClinVar's aggregate classification.
Comment: This variant is classified as benign based on ACMG/AMP sequence variant interpretation guidelines (Richards et al. 2015 PMID: 25741868, with internal and published modifications).